The following is an entry in ClinVar:

NM_007194.4(CHEK2):c.1579G>A (p.Ala527Thr)

Gene: CHEK2 (checkpoint kinase 2; minus strand). Cytogenetic location: 22q12.1.
Variant type: single nucleotide variant.
Coding change: c.1579G>A on transcript NM_007194.4 (MANE Select); coding-DNA position 1579, G replaced by A.
Protein change: p.Ala527Thr; replaces alanine 527 with threonine.
Molecular consequence: missense variant.
Genome position (GRCh38, 1-based): chr22:28,687,950, C>T on the plus strand (G>A on the coding strand, the complement: CHEK2 is on the minus strand). VCF-style: chr22-28687950-C-T. GRCh37 (hg19) VCF-style: chr22-29083938-C-T.
Other names: c.1708G>A, p.Ala570Thr (NM_001005735.3); c.916G>A, p.Ala306Thr (NM_001257387.3); c.1378G>A, p.Ala460Thr (NM_001349956.3); c.1492G>A, p.Ala498Thr (NM_145862.3); short protein forms A306T, A527T, A460T, A570T, A498T.
Identifiers: ClinVar variation 1775640 (VCV001775640.2), dbSNP rs1555911583, ClinGen allele CA411091256.

ClinVar aggregate classification (germline): Uncertain significance (1 of 4 stars; one submission).

Conditions:
Hereditary cancer-predisposing syndrome. Also called: Neoplastic Syndromes, Hereditary; Tumor predisposition; Hereditary Cancer Syndrome; Hereditary neoplastic syndrome. Identifiers: Orphanet 140162, MedGen C0027672, MeSH D009386, MONDO:0015356.

Submission:

Ambry Genetics
Classification: Uncertain significance for Hereditary cancer-predisposing syndrome. Last evaluated: 2020-11-03. Review status: criteria provided, single submitter. Criteria: Ambry Variant Classification Scheme 2023. Collection method: clinical testing. Allele origin: germline.
Comment: The p.A527T variant (also known as c.1579G>A), located in coding exon 14 of the CHEK2 gene, results from a G to A substitution at nucleotide position 1579. The alanine at codon 527 is replaced by threonine, an amino acid with similar properties. This amino acid position is not well conserved in available vertebrate species. In addition, this alteration is predicted to be tolerated by in silico analysis. Since supporting evidence is limited at this time, the clinical significance of this alteration remains unclear.